The following is an entry in ClinVar:

ClinVar aggregate classification (germline): Uncertain significance. Review status: criteria provided, single submitter (1 of 4 stars). 2 submissions from 2 submitters: Uncertain significance (1). 1 of the submissions does not count toward it. Last evaluated 2022-02-03.

Conditions:
Usher syndrome type 2A. Also called: RETINAL DISEASE IN USHER SYNDROME TYPE IIA, MODIFIER OF; USHER SYNDROME, TYPE IIA. Identifiers: Orphanet 231178, Orphanet 886, MedGen C1848634, MONDO:0010169, OMIM 276901.

Allele frequency attached by ClinVar (database versions not stated): gnomAD exomes below 0.00001; TOPMed below 0.00001; ExAC 0.00001; ESP Exome Variant Server 0.00008.

Submissions (2):

Labcorp Genetics (formerly Invitae), Labcorp
Classification: Uncertain significance. Last evaluated: 2022-02-03. Review status: criteria provided, single submitter. Criteria: Invitae Variant Classification Sherloc (09022015). Collection method: clinical testing. Allele origin: germline.
Comment: This sequence change replaces alanine, which is neutral and non-polar, with threonine, which is neutral and polar, at codon 1239 of the USH2A protein (p.Ala1239Thr). This variant is present in population databases (rs373698501, gnomAD 0.007%). This variant has not been reported in the literature in individuals affected with USH2A-related conditions. ClinVar contains an entry for this variant (Variation ID: 848190). Algorithms developed to predict the effect of missense changes on protein structure and function are either unavailable or do not agree on the potential impact of this missense change (SIFT: "Deleterious"; PolyPhen-2: "Probably Damaging"; Align-GVGD: "Class C0"). In summary, the available evidence is currently insufficient to determine the role of this variant in disease. Therefore, it has been classified as a Variant of Uncertain Significance.

Natera, Inc.
Classification: Uncertain significance for Usher syndrome type 2A. Last evaluated: 2021-10-01. Review status: no assertion criteria provided. Collection method: clinical testing. Allele origin: germline. Not counted in ClinVar's aggregate classification.

NM_206933.4(USH2A):c.3715G>A (p.Ala1239Thr)

Genes: USH2A (usherin; minus strand), USH2A-AS1 (USH2A antisense RNA 1; plus strand). Cytogenetic location: 1q41.
Variant type: single nucleotide variant.
Coding change: c.3715G>A on transcript NM_206933.4 (MANE Select); coding-DNA position 3715, G replaced by A.
Protein change: p.Ala1239Thr; replaces alanine 1239 with threonine.
Molecular consequence: missense variant.
Genome position (GRCh38, 1-based): chr1:216,199,723, C>T on the plus strand (G>A on the coding strand, the complement: USH2A is on the minus strand). VCF-style: chr1-216199723-C-T. GRCh37 (hg19) VCF-style: chr1-216373065-C-T.
Other names: c.3715G>A, p.Ala1239Thr (NM_007123.6); short protein forms A1239T.
Identifiers: ClinVar variation 848190 (VCV000848190.9), dbSNP rs373698501, ClinGen allele CA1395936.